The following is an entry in ClinVar:

NM_001128840.3(CACNA1D):c.6058C>T (p.His2020Tyr)

Gene: CACNA1D (calcium voltage-gated channel subunit alpha1 D; plus strand). Cytogenetic location: 3p21.1.
Variant type: single nucleotide variant.
Coding change: c.6058C>T on transcript NM_001128840.3 (MANE Select); coding-DNA position 6058, C replaced by T.
Protein change: p.His2020Tyr; replaces histidine 2020 with tyrosine.
Molecular consequence: missense variant.
Genome position (GRCh38, 1-based): chr3:53,810,164, C>T. VCF-style: chr3-53810164-C-T. GRCh37 (hg19) VCF-style: chr3-53844191-C-T.
Other names: c.6118C>T, p.His2040Tyr (NM_000720.4); c.5986C>T, p.His1996Tyr (NM_001128839.3); short protein forms H2040Y, H2020Y, H1996Y.
Identifiers: ClinVar variation 429281 (VCV000429281.9), dbSNP rs200170591, ClinGen allele CA2455352.

ClinVar aggregate classification (germline): Uncertain significance. Review status: criteria provided, multiple submitters, no conflicts (2 of 4 stars). 3 submissions from 3 submitters: Uncertain significance (3). Last evaluated 2025-01-14.

Conditions:
Inborn genetic diseases. Identifiers: MedGen C0950123, MeSH D030342.

Allele frequency attached by ClinVar (database versions not stated): ExAC 0.00001; gnomAD 0.00001; gnomAD exomes 0.00001 and 0.00002; TOPMed 0.00002; 1000 Genomes Project 30x 0.00016; 1000 Genomes Project 0.00020.
gnomAD v4.1: 7 of 1,614,014 alleles (0.00043%); highest among the groups gnomAD compares: Admixed American, 0.0067%; no homozygotes.

Submissions (3):

Ambry Genetics
Classification: Uncertain significance for Inborn genetic diseases. Last evaluated: 2025-01-14. Review status: criteria provided, single submitter. Criteria: Ambry Variant Classification Scheme 2023. Collection method: clinical testing. Allele origin: germline.

Labcorp Genetics (formerly Invitae), Labcorp
Classification: Uncertain significance. Last evaluated: 2024-11-22. Review status: criteria provided, single submitter. Criteria: Invitae Variant Classification Sherloc (09022015). Collection method: clinical testing. Allele origin: germline.
Comment: This sequence change replaces histidine, which is basic and polar, with tyrosine, which is neutral and polar, at codon 2040 of the CACNA1D protein (p.His2040Tyr). This variant is present in population databases (rs200170591, gnomAD 0.009%). This variant has not been reported in the literature in individuals affected with CACNA1D-related conditions. ClinVar contains an entry for this variant (Variation ID: 429281). An algorithm developed to predict the effect of missense changes on protein structure and function (PolyPhen-2) suggests that this variant is likely to be tolerated. In summary, the available evidence is currently insufficient to determine the role of this variant in disease. Therefore, it has been classified as a Variant of Uncertain Significance.

GeneDx
Classification: Uncertain significance. Last evaluated: 2017-05-04. Review status: criteria provided, single submitter. Criteria: GeneDx Variant Classification (06012015). Collection method: clinical testing. Allele origin: germline. Affected: yes.
Comment: The H2040Y variant in the CACNA1D gene has not been reported previously as a pathogenic variant, nor as a benign variant, to our knowledge. The H2040Y variant is observed in 1/11558 (0.008%) alleles from individuals of Latino background in large population cohorts (Lek et al., 2016; 1000 Genomes Consortium et al., 2015; Exome Variant Server). The H2040Y variant is a non-conservative amino acid substitution, which is likely to impact secondary protein structure as these residues differ in polarity, charge, size and/or other properties. This substitution occurs at a position where amino acids with similar properties to Histidine are tolerated across species. In silico analysis predicts this variant is probably damaging to the protein structure/function. We interpret H2040Y as a variant of uncertain significance.